The following is an entry in ClinVar:

ClinVar aggregate classification (germline): Uncertain significance (1 of 4 stars; one submission).

Conditions:
Developmental and epileptic encephalopathy, 36 (DEE36). Also called: Epileptic encephalopathy, early infantile, 36; Congenital disorder of glycosylation, type Is; ALG13-CDG. Identifiers: Orphanet 324422, MedGen C4317295, MONDO:0010472, OMIM 300884.

Submission:

Labcorp Genetics (formerly Invitae), Labcorp
Classification: Uncertain significance for Developmental and epileptic encephalopathy, 36. Last evaluated: 2023-08-16. Review status: criteria provided, single submitter. Criteria: Invitae Variant Classification Sherloc (09022015). Collection method: clinical testing. Allele origin: germline.
Comment: In summary, the available evidence is currently insufficient to determine the role of this variant in disease. Therefore, it has been classified as a Variant of Uncertain Significance. This sequence change replaces valine, which is neutral and non-polar, with leucine, which is neutral and non-polar, at codon 551 of the ALG13 protein (p.Val551Leu). This variant is not present in population databases (gnomAD no frequency). This variant has not been reported in the literature in individuals affected with ALG13-related conditions. Advanced modeling of protein sequence and biophysical properties (such as structural, functional, and spatial information, amino acid conservation, physicochemical variation, residue mobility, and thermodynamic stability) performed at Invitae indicates that this missense variant is not expected to disrupt ALG13 protein function.

NM_001099922.3(ALG13):c.1651G>C (p.Val551Leu)

Gene: ALG13 (ALG13 UDP-N-acetylglucosaminyltransferase subunit; plus strand). Cytogenetic location: Xq23.
Variant type: single nucleotide variant.
Coding change: c.1651G>C on transcript NM_001099922.3 (MANE Select); coding-DNA position 1651, G replaced by C.
Protein change: p.Val551Leu; replaces valine 551 with leucine.
Molecular consequence: missense variant. On other transcripts: non-coding transcript variant (1).
Genome position (GRCh38, 1-based): chrX:111,724,983, G>C. VCF-style: chrX-111724983-G-C. GRCh37 (hg19) VCF-style: chrX-110968211-G-C.
Other names: c.1339G>C, p.Val447Leu (NM_001257230.2, NM_001257234.2, NM_001257237.2); c.1417G>C, p.Val473Leu (NM_001257231.2); c.1651G>C, p.Val551Leu (NM_001324292.2); c.1165G>C, p.Val389Leu (NM_001324293.1); short protein forms V551L, V447L, V389L, V473L.
Identifiers: ClinVar variation 2749540 (VCV002749540.3), dbSNP rs2525885359, ClinGen allele CA414252224.